The following is an entry in ClinVar:

ClinVar aggregate classification (germline): Pathogenic (1 of 4 stars; one submission).

Submission:

Labcorp Genetics (formerly Invitae), Labcorp
Classification: Pathogenic. Last evaluated: 2023-10-06. Review status: criteria provided, single submitter. Criteria: Invitae Variant Classification Sherloc (09022015). Collection method: clinical testing. Allele origin: unknown.
Comment: This variant is a gross deletion of the genomic region encompassing exon(s) 2-10 of the TMPRSS3 gene, which includes the initiator codon. This deletion extends beyond the assayed region for this gene and therefore may encompass additional genes. It is expected to result in an absent or disrupted protein product. Loss-of-function variants in TMPRSS3 are known to be pathogenic (PMID: 16021470, 26969326). This variant has not been reported in the literature in individuals affected with TMPRSS3-related conditions. For these reasons, this variant has been classified as Pathogenic.

Literature cited by the submitters: PubMed 16021470; PubMed 26969326.

NC_000021.8:g.(?_43800206)_(43815526_?)dup

Gene: TMPRSS3 (transmembrane serine protease 3; minus strand). Cytogenetic location: 21q22.3.
Variant type: Duplication.
Identifiers: ClinVar variation 3248205 (VCV003248205.1).